The following is an entry in ClinVar:

NM_002519.3(NPAT):c.3524T>G (p.Val1175Gly)

Gene: NPAT (nuclear protein, coactivator of histone transcription; minus strand). Cytogenetic location: 11q22.3.
Variant type: single nucleotide variant.
Coding change: c.3524T>G on transcript NM_002519.3 (MANE Select); coding-DNA position 3524, T replaced by G.
Protein change: p.Val1175Gly; replaces valine 1175 with glycine.
Molecular consequence: missense variant.
Genome position (GRCh38, 1-based): chr11:108,161,562, A>C on the plus strand (T>G on the coding strand, the complement: NPAT is on the minus strand). VCF-style: chr11-108161562-A-C. GRCh37 (hg19) VCF-style: chr11-108032289-A-C.
Other names: c.3545T>G, p.Val1182Gly (NM_001321307.1); short protein forms V1182G, V1175G.
Identifiers: ClinVar variation 1732296 (VCV001732296.3), dbSNP rs774841346, ClinGen allele CA382510617.

ClinVar aggregate classification (germline): Uncertain significance (1 of 4 stars; one submission).

Allele frequency attached by ClinVar (database versions not stated): gnomAD exomes 0.00001.
gnomAD v4.1: 5 of 1,614,154 alleles (0.00031%); highest among the groups gnomAD compares: Non-Finnish European, 0.00042%; no homozygotes.

Submission:

Ambry Genetics
Classification: Uncertain significance. Last evaluated: 2024-04-08. Review status: criteria provided, single submitter. Criteria: Ambry Variant Classification Scheme 2023. Collection method: clinical testing. Allele origin: germline.
Comment: The p.V1175G variant (also known as c.3524T>G), located in coding exon 17 of the NPAT gene, results from a T to G substitution at nucleotide position 3524. The valine at codon 1175 is replaced by glycine, an amino acid with dissimilar properties. This amino acid position is conserved. In addition, this alteration is predicted to be tolerated by in silico analysis. Since supporting evidence is limited at this time, the clinical significance of this alteration remains unclear.